The following is an entry in ClinVar:

NM_005476.7(GNE):c.1033C>T (p.Gln345Ter)

Gene: GNE (glucosamine (UDP-N-acetyl)-2-epimerase/N-acetylmannosamine kinase; minus strand). Cytogenetic location: 9p13.3.
Variant type: single nucleotide variant.
Coding change: c.1033C>T on transcript NM_005476.7 (MANE Select); coding-DNA position 1033, C replaced by T.
Protein change: p.Gln345Ter; replaces glutamine 345 with a stop codon.
Molecular consequence: nonsense.
Genome position (GRCh38, 1-based): chr9:36,229,058, G>A on the plus strand (C>T on the coding strand, the complement: GNE is on the minus strand). VCF-style: chr9-36229058-G-A. GRCh37 (hg19) VCF-style: chr9-36229055-G-A.
Other names: c.1126C>T, p.Gln376Ter (NM_001128227.3); c.1033C>T, p.Gln345Ter (NM_001190383.3); c.703C>T, p.Gln235Ter (NM_001190384.3); c.856C>T, p.Gln286Ter (NM_001190388.2, NM_001374798.1); c.880C>T, p.Gln294Ter (NM_001374797.1); c.1126C>T (NM_001128227.2); short protein forms Q235*, Q286*, Q294*, Q345*, Q376*.
Identifiers: ClinVar variation 983570 (VCV000983570.4), dbSNP rs1829027066, ClinGen allele CA373429993.

ClinVar aggregate classification (germline): Likely pathogenic. Review status: criteria provided, multiple submitters, no conflicts (2 of 4 stars). 2 submissions from 2 submitters: Likely pathogenic (2). Last evaluated 2023-03-06.

Conditions:
GNE myopathy (NM). Also called: INCLUSION BODY MYOPATHY, HEREDITARY, AUTOSOMAL RECESSIVE; INCLUSION BODY MYOPATHY 2, AUTOSOMAL RECESSIVE; NONAKA DISTAL MYOPATHY; MYOPATHY, DISTAL, WITH OR WITHOUT RIMMED VACUOLES; IBM 2; Inclusion body myopathy autosomal recessive. Identifiers: Orphanet 602, MedGen C1853926, MONDO:0011603, OMIM 605820.

Submissions (2):

Baylor Genetics
Classification: Likely pathogenic for GNE myopathy. Last evaluated: 2023-03-06. Review status: criteria provided, single submitter. Criteria: ACMG Guidelines, 2015. Collection method: clinical testing. Allele origin: unknown.

Myriad Genetics, Inc.
Classification: Likely pathogenic for GNE myopathy. Last evaluated: 2019-12-28. Review status: criteria provided, single submitter. Criteria: Myriad Women's Health Autosomal Recessive and X-Linked Classification Criteria (2019). Collection method: clinical testing. Allele origin: unknown.
Comment: NM_001128227.2(GNE):c.1126C>T(Q376*) is expected to be pathogenic in the context of GNE myopathy. This variant is predicted to lead to an abnormal or absent protein product due to the creation of a premature termination codon in GNE, a gene where loss-of-function variants are known to be pathogenic. Please note: this variant was assessed in the context of healthy population screening.